The following is an entry in ClinVar:

NM_144670.6(A2ML1):c.2197T>C (p.Phe733Leu)

Gene: A2ML1 (alpha-2-macroglobulin like 1; plus strand). Cytogenetic location: 12p13.31.
Variant type: single nucleotide variant.
Coding change: c.2197T>C on transcript NM_144670.6 (MANE Select); coding-DNA position 2197, T replaced by C.
Protein change: p.Phe733Leu; replaces phenylalanine 733 with leucine.
Molecular consequence: missense variant.
Genome position (GRCh38, 1-based): chr12:8,850,237, T>C. VCF-style: chr12-8850237-T-C. GRCh37 (hg19) VCF-style: chr12-9002833-T-C.
Other names: c.724T>C, p.Phe242Leu (NM_001282424.3); short protein forms F733L, F242L.
Identifiers: ClinVar variation 384690 (VCV000384690.17), dbSNP rs117213221, ClinGen allele CA6435936.

ClinVar aggregate classification (germline): Conflicting classifications of pathogenicity. Review status: criteria provided, conflicting classifications (1 of 4 stars). 7 submissions from 7 submitters: Uncertain significance (1); Benign (1); Likely benign (3). 2 of the submissions do not count toward it. Last evaluated 2025-10-29.

Conditions:
Otitis media. Identifiers: MedGen C0029882, MONDO:0005441, HP:0000388.
A2ML1-related disorder. Also called: A2ML1-related condition.
Otitis media, susceptibility to (OMS). Also called: OTITIS MEDIA, CHRONIC/RECURRENT; COME/ROM. Identifiers: MedGen C1833692, MONDO:0008162, OMIM 166760.

Allele frequency attached by ClinVar (database versions not stated): ESP Exome Variant Server 0.00025; TOPMed 0.00027; gnomAD 0.00051 and 0.00061; gnomAD exomes 0.00051 and 0.00104; ExAC 0.00112; 1000 Genomes Project 30x 0.00125; 1000 Genomes Project 0.00140.
gnomAD v4.1: 855 of 1,613,360 alleles (0.053%); highest among the groups gnomAD compares: East Asian, 0.66%; 3 homozygotes.

Submissions (7):

Labcorp Genetics (formerly Invitae), Labcorp
Classification: Likely benign. Last evaluated: 2025-10-29. Review status: criteria provided, single submitter. Criteria: Invitae Variant Classification Sherloc (09022015). Collection method: clinical testing. Allele origin: germline.

Blueprint Genetics
Classification: Likely benign. Last evaluated: 2024-11-23. Review status: criteria provided, single submitter. Criteria: ACMG Guidelines, 2015. Collection method: clinical testing. Allele origin: germline.

Women's Health and Genetics/Laboratory Corporation of America, LabCorp
Classification: Likely benign. Last evaluated: 2022-10-09. Review status: criteria provided, single submitter. Criteria: LabCorp Variant Classification Summary - May 2015. Collection method: clinical testing. Allele origin: germline.

GeneDx
Classification: Benign. Last evaluated: 2020-04-06. Review status: criteria provided, single submitter. Criteria: GeneDx Variant Classification Process June 2021. Collection method: clinical testing. Allele origin: germline. Affected: yes.
Comment: This variant is associated with the following publications: (PMID: 31009165)

Santos-Cortez Lab, University of Colorado School of Medicine
Classification: Uncertain significance for Otitis media, susceptibility to. Last evaluated: 2019-04-25. Review status: criteria provided, single submitter. Criteria: Larson et al. (Hum Mutat. 2019). Collection method: research. Allele origin: germline. Inheritance: Autosomal dominant inheritance. Affected: yes.

PreventionGenetics, part of Exact Sciences
Classification: Benign for A2ML1-related condition. Last evaluated: 2019-10-16. Review status: no assertion criteria provided. Collection method: clinical testing. Allele origin: germline. Not counted in ClinVar's aggregate classification.
Comment: This variant is classified as benign based on ACMG/AMP sequence variant interpretation guidelines (Richards et al. 2015 PMID: 25741868, with internal and published modifications).

University of Washington Center for Mendelian Genomics, University of Washington
Classification: Uncertain significance for Otitis media. Review status: no assertion criteria provided. Collection method: research. Allele origin: inherited. Affected: yes. Not counted in ClinVar's aggregate classification.

Literature cited by the submitters: PubMed 31009165 (cited by University of Washington Center for Mendelian Genomics, University of Washington).